The following is an entry in ClinVar:

NM_000044.6(AR):c.1186G>A (p.Gly396Ser)

Gene: AR (androgen receptor; plus strand). Cytogenetic location: Xq12.
Variant type: single nucleotide variant.
Coding change: c.1186G>A on transcript NM_000044.6 (MANE Select); coding-DNA position 1186, G replaced by A.
Protein change: p.Gly396Ser; replaces glycine 396 with serine.
Molecular consequence: missense variant. On other transcripts: 5 prime UTR variant (1).
Genome position (GRCh38, 1-based): chrX:67,546,332, G>A. VCF-style: chrX-67546332-G-A. GRCh37 (hg19) VCF-style: chrX-66766174-G-A.
Other names: c.-598G>A (NM_001011645.3); c.1186G>A, p.Gly396Ser (NM_001348061.1, NM_001348063.1, NM_001348064.1); short protein forms G396S.
Identifiers: ClinVar variation 1213203 (VCV001213203.3), dbSNP rs202150225, ClinGen allele CA413426553.

ClinVar aggregate classification (germline): Uncertain significance (1 of 4 stars; one submission).

gnomAD v4.1: 1 of 1,192,768 alleles (0.000084%); highest among the groups gnomAD compares: Non-Finnish European, 0.00011%; no homozygotes.

Submission:

GeneDx
Classification: Uncertain significance. Last evaluated: 2019-09-16. Review status: criteria provided, single submitter. Criteria: GeneDx Variant Classification Process June 2021. Collection method: clinical testing. Allele origin: germline. Affected: yes.
Comment: Not observed in large population cohorts (Lek et al., 2016); The majority of missense variants in this gene are considered pathogenic (Stenson et al., 2014); In silico analysis, which includes protein predictors and evolutionary conservation, supports that this variant does not alter protein structure/function; Has not been previously published as pathogenic or benign to our knowledge